The following is an entry in ClinVar:

ClinVar aggregate classification (germline): Uncertain significance (1 of 4 stars; one submission).

Conditions:
Developmental and epileptic encephalopathy, 23 (DEE23). Also called: Epileptic encephalopathy, early infantile, 23. Identifiers: Orphanet 411986, MedGen C4014492, MONDO:0014371, OMIM 615859.

Allele frequency attached by ClinVar (database versions not stated): gnomAD exomes below 0.00001 and 0.00001; TOPMed below 0.00001; ExAC 0.00002.
gnomAD v4.1: 2 of 1,611,536 alleles (0.00012%); highest among the groups gnomAD compares: Admixed American, 0.0033%; no homozygotes.

Submission:

Labcorp Genetics (formerly Invitae), Labcorp
Classification: Uncertain significance for Developmental and epileptic encephalopathy, 23. Last evaluated: 2024-07-01. Review status: criteria provided, single submitter. Criteria: Invitae Variant Classification Sherloc (09022015). Collection method: clinical testing. Allele origin: germline.
Comment: This sequence change replaces isoleucine, which is neutral and non-polar, with methionine, which is neutral and non-polar, at codon 43 of the DOCK7 protein (p.Ile43Met). This variant is present in population databases (rs763114478, gnomAD 0.006%). This variant has not been reported in the literature in individuals affected with DOCK7-related conditions. ClinVar contains an entry for this variant (Variation ID: 1349044). An algorithm developed to predict the effect of missense changes on protein structure and function (PolyPhen-2) suggests that this variant is likely to be tolerated. In summary, the available evidence is currently insufficient to determine the role of this variant in disease. Therefore, it has been classified as a Variant of Uncertain Significance.

NM_001367561.1(DOCK7):c.129A>G (p.Ile43Met)

Gene: DOCK7 (dedicator of cytokinesis 7; minus strand). Cytogenetic location: 1p31.3.
Variant type: single nucleotide variant.
Coding change: c.129A>G on transcript NM_001367561.1 (MANE Select); coding-DNA position 129, A replaced by G.
Protein change: p.Ile43Met; replaces isoleucine 43 with methionine.
Molecular consequence: missense variant.
Genome position (GRCh38, 1-based): chr1:62,663,040, T>C on the plus strand (A>G on the coding strand, the complement: DOCK7 is on the minus strand). VCF-style: chr1-62663040-T-C. GRCh37 (hg19) VCF-style: chr1-63128711-T-C.
Other names: c.129A>G, p.Ile43Met (NM_001271999.2, NM_001272000.2, NM_001272001.2 and 3 more transcripts); short protein forms I43M.
Identifiers: ClinVar variation 1349044 (VCV001349044.6), dbSNP rs763114478, ClinGen allele CA887277.